The following is an entry in ClinVar:

NM_000548.5(TSC2):c.5089A>G (p.Thr1697Ala)

Gene: TSC2 (TSC complex subunit 2; plus strand). Cytogenetic location: 16p13.3.
Variant type: single nucleotide variant.
Coding change: c.5089A>G on transcript NM_000548.5 (MANE Select); coding-DNA position 5089, A replaced by G.
Protein change: p.Thr1697Ala; replaces threonine 1697 with alanine.
Molecular consequence: missense variant.
Genome position (GRCh38, 1-based): chr16:2,088,068, A>G. VCF-style: chr16-2088068-A-G. GRCh37 (hg19) VCF-style: chr16-2138069-A-G.
Other names: c.5020A>G, p.Thr1674Ala (NM_001114382.3); c.4780A>G, p.Thr1594Ala (NM_001318827.2); c.4744A>G, p.Thr1582Ala (NM_001318829.2); c.4357A>G, p.Thr1453Ala (NM_001318831.2); c.4921A>G, p.Thr1641Ala (NM_001318832.2); c.4891A>G, p.Thr1631Ala (NM_001363528.2); c.4957A>G, p.Thr1653Ala (NM_001370404.1); c.4960A>G, p.Thr1654Ala (NM_001370405.1, NM_021055.3); and 1 more; short protein forms T1582A, T1654A, T1674A, T1631A, T1653A, T1697A, T1641A, T1453A.
Identifiers: ClinVar variation 1388350 (VCV001388350.10), dbSNP rs2151620482, ClinGen allele CA394312091.

ClinVar aggregate classification (germline): Uncertain significance. Review status: criteria provided, multiple submitters, no conflicts (2 of 4 stars). 2 submissions from 2 submitters: Uncertain significance (2). Last evaluated 2022-04-25.

Conditions:
Hereditary cancer-predisposing syndrome. Also called: Hereditary neoplastic syndrome; Neoplastic Syndromes, Hereditary; Hereditary Cancer Syndrome; Tumor predisposition. Identifiers: Orphanet 140162, MedGen C0027672, MeSH D009386, MONDO:0015356.
Tuberous sclerosis 2 (TSC2). Identifiers: Orphanet 805, MedGen C1860707, MONDO:0013199, OMIM 613254.

Submissions (2):

Ambry Genetics
Classification: Uncertain significance for Hereditary cancer-predisposing syndrome. Last evaluated: 2022-04-25. Review status: criteria provided, single submitter. Criteria: Ambry Variant Classification Scheme 2023. Collection method: clinical testing. Allele origin: germline.
Comment: The p.T1697A variant (also known as c.5089A>G), located in coding exon 39 of the TSC2 gene, results from an A to G substitution at nucleotide position 5089. The threonine at codon 1697 is replaced by alanine, an amino acid with similar properties. This amino acid position is conserved. In addition, this alteration is predicted to be deleterious by in silico analysis. Since supporting evidence is limited at this time, the clinical significance of this alteration remains unclear.

Labcorp Genetics (formerly Invitae), Labcorp
Classification: Uncertain significance for Tuberous sclerosis 2. Last evaluated: 2021-04-17. Review status: criteria provided, single submitter. Criteria: Invitae Variant Classification Sherloc (09022015). Collection method: clinical testing. Allele origin: germline.
Comment: In summary, the available evidence is currently insufficient to determine the role of this variant in disease. Therefore, it has been classified as a Variant of Uncertain Significance. This sequence change replaces threonine with alanine at codon 1697 of the TSC2 protein (p.Thr1697Ala). The threonine residue is highly conserved and there is a small physicochemical difference between threonine and alanine. This variant is not present in population databases (ExAC no frequency). This variant has not been reported in the literature in individuals with TSC2-related conditions. Advanced modeling of protein sequence and biophysical properties (such as structural, functional, and spatial information, amino acid conservation, physicochemical variation, residue mobility, and thermodynamic stability) performed at Invitae indicates that this missense variant is not expected to disrupt TSC2 protein function.